The following is an entry in ClinVar:

NM_001009944.3(PKD1):c.7575C>T (p.Phe2525=)

Gene: PKD1 (polycystin 1, transient receptor potential channel interacting; minus strand). Cytogenetic location: 16p13.3.
Variant type: single nucleotide variant.
Coding change: c.7575C>T on transcript NM_001009944.3 (MANE Select); coding-DNA position 7575, C replaced by T.
Protein change: p.Phe2525=; no amino-acid change (phenylalanine 2525 retained).
Molecular consequence: synonymous variant.
Genome position (GRCh38, 1-based): chr16:2,106,219, G>A on the plus strand (C>T on the coding strand, the complement: PKD1 is on the minus strand). VCF-style: chr16-2106219-G-A. GRCh37 (hg19) VCF-style: chr16-2156220-G-A.
Other names: c.7575C>T, p.Phe2525= (NM_000296.4).
Identifiers: ClinVar variation 618823 (VCV000618823.11), dbSNP rs144409293, ClinGen allele CA7831028.

ClinVar aggregate classification (germline): Likely benign. Review status: criteria provided, multiple submitters, no conflicts (2 of 4 stars). 4 submissions from 4 submitters: Likely benign (4). Last evaluated 2025-02-16.

Allele frequency attached by ClinVar (database versions not stated): 1000 Genomes Project 30x 0.00016; 1000 Genomes Project 0.00020; ESP Exome Variant Server 0.00023; TOPMed 0.00034; gnomAD exomes 0.00038; ExAC 0.00039; gnomAD 0.00042 and 0.00044.
gnomAD v4.1: 535 of 1,610,260 alleles (0.033%); highest among the groups gnomAD compares: South Asian, 0.07%; no homozygotes.

Submissions (4):

Laboratory of Genetics, Children's Clinical University Hospital Latvia
Classification: Likely benign. Last evaluated: 2025-02-16. Review status: criteria provided, single submitter. Criteria: ACMG Guidelines, 2015. Collection method: clinical testing. Allele origin: germline. Affected: yes.

Blueprint Genetics
Classification: Likely benign. Last evaluated: 2024-11-20. Review status: criteria provided, single submitter. Criteria: ACMG Guidelines, 2015. Collection method: clinical testing. Allele origin: germline.

ARUP Laboratories, Molecular Genetics and Genomics, ARUP Laboratories
Classification: Likely benign. Last evaluated: 2018-04-30. Review status: criteria provided, single submitter. Criteria: ARUP Molecular Germline Variant Investigation Process. Collection method: clinical testing. Allele origin: germline.
Comment: The PKD1 c.7575C>T; p.Phe2525Phe variant (rs144409293) has been described in one individual with autosomal dominant polycystic kidney disease, but was not thought to be causative of disease (Carrera 2016). It is listed as likely neutral in the Mayo ADPKD database (see link for Mayo ADPKD database and references therein) and is observed in the general population at an overall frequency of 0.04% (110/271818 alleles) in the Genome Aggregation Database. This is a synonymous variant in a moderately conserved nucleotide, but computational analyses (Alamut v.2.11) predict that this variant does not alter splicing. Based on available information, this variant is considered likely benign. References: Link to Mayo ADPKD Database: Carrera P et al. Deciphering Variability of PKD1 and PKD2 in an Italian Cohort of 643 Patients with Autosomal Dominant Polycystic Kidney Disease (ADPKD). Sci Rep. 2016 Aug 8;6:30850.

Breakthrough Genomics
Classification: Likely benign. Review status: criteria provided, single submitter. Criteria: ACMG Guidelines, 2015. Collection method: not provided. Allele origin: germline. Inheritance: Autosomal dominant inheritance. Affected: yes.